The following is an entry in ClinVar:

ClinVar aggregate classification (germline): Conflicting classifications of pathogenicity. Review status: criteria provided, conflicting classifications (1 of 4 stars). 12 submissions from 12 submitters: Uncertain significance (10); Benign (1). 1 of the submissions does not count toward it. Last evaluated 2026-01-17.

Conditions:
Hereditary cancer-predisposing syndrome. Also called: Hereditary Cancer Syndrome; Neoplastic Syndromes, Hereditary; Tumor predisposition; Hereditary neoplastic syndrome. Identifiers: Orphanet 140162, MedGen C0027672, MeSH D009386, MONDO:0015356.
Breast and/or ovarian cancer. Identifiers: MedGen CN221562.
Breast-ovarian cancer, familial, susceptibility to, 3. Also called: RAD51C-Related Breast/Ovarian Cancer. Identifiers: Orphanet 145, MedGen C3150659, MONDO:0013253, OMIM 613399.
Fanconi anemia complementation group O. Also called: RAD51C-Related Fanconi Anemia. Identifiers: Orphanet 84, MedGen C3150653, MONDO:0013248, OMIM 613390.

Allele frequency attached by ClinVar (database versions not stated): gnomAD exomes 0.00001 and 0.00002; TOPMed 0.00001; ExAC 0.00001; ESP Exome Variant Server 0.00008.
gnomAD v4.1: 27 of 1,612,444 alleles (0.0017%); highest among the groups gnomAD compares: East Asian, 0.0045%; no homozygotes.

Submissions (12):

Labcorp Genetics (formerly Invitae), Labcorp
Classification: Uncertain significance for Fanconi anemia complementation group O. Last evaluated: 2026-01-17. Review status: criteria provided, single submitter. Criteria: Invitae Variant Classification Sherloc (09022015). Collection method: clinical testing. Allele origin: germline.
Comment: This sequence change replaces arginine, which is basic and polar, with glutamine, which is neutral and polar, at codon 370 of the RAD51C protein (p.Arg370Gln). The frequency data for this variant in the population databases is considered unreliable, as metrics indicate poor data quality at this position in the gnomAD database. This variant has not been reported in the literature in individuals affected with RAD51C-related conditions. ClinVar contains an entry for this variant (Variation ID: 187061). An algorithm developed to predict the effect of missense changes on protein structure and function (PolyPhen-2) suggests that this variant is likely to be tolerated. In summary, the available evidence is currently insufficient to determine the role of this variant in disease. Therefore, it has been classified as a Variant of Uncertain Significance.

Ambry Genetics
Classification: Benign for Hereditary cancer-predisposing syndrome. Last evaluated: 2025-10-08. Review status: criteria provided, single submitter. Criteria: Ambry Variant Classification Scheme 2023. Collection method: clinical testing. Allele origin: germline.

Color Diagnostics, LLC DBA Color Health
Classification: Uncertain significance for Hereditary cancer-predisposing syndrome. Last evaluated: 2024-11-26. Review status: criteria provided, single submitter. Criteria: ACMG Guidelines, 2015. Collection method: clinical testing. Allele origin: germline.
Comment: This missense variant replaces arginine with glutamine at codon 370 of the RAD51C protein. Computational prediction suggests that this variant may not impact protein structure and function. To our knowledge, functional studies have not been reported for this variant. In a large breast cancer case-control study, this variant has been observed in 6/60460 cases and 2/53459 controls (OR=2.653, 95%CI 0.535 to 13.143, p-value=0.296; PMID: 33471991). This variant has been identified in 3/248394 chromosomes in the general population by the Genome Aggregation Database (gnomAD). The available evidence is insufficient to determine the role of this variant in disease conclusively. Therefore, this variant is classified as a Variant of Uncertain Significance.

GeneDx
Classification: Uncertain significance. Last evaluated: 2024-11-07. Review status: criteria provided, single submitter. Criteria: GeneDx Variant Classification Process June 2021. Collection method: clinical testing. Allele origin: germline. Affected: yes.
Comment: Observed in cases but also in controls in a breast cancer case-control study (PMID: 33471991); In silico analysis supports that this missense variant does not alter protein structure/function; Not observed at significant frequency in large population cohorts (gnomAD); This variant is associated with the following publications: (PMID: 12966089, 14704354, 33471991)

Baylor Genetics
Classification: Uncertain significance for Breast-ovarian cancer, familial, susceptibility to, 3. Last evaluated: 2024-02-05. Review status: criteria provided, single submitter. Criteria: ACMG Guidelines, 2015. Collection method: clinical testing. Allele origin: unknown.

Myriad Genetics, Inc.
Classification: Uncertain significance for Breast-ovarian cancer, familial, susceptibility to, 3. Last evaluated: 2023-04-05. Review status: criteria provided, single submitter. Criteria: Myriad Autosomal Dominant, Autosomal Recessive and X-Linked Classification Criteria (2023). Collection method: clinical testing. Allele origin: unknown.
Comment: This variant is classified as a variant of uncertain significance as there is insufficient evidence to determine its impact on protein function and/or cancer risk.

St. Jude Molecular Pathology, St. Jude Children's Research Hospital
Classification: Uncertain significance for Breast-ovarian cancer, familial, susceptibility to, 3. Last evaluated: 2022-11-08. Review status: criteria provided, single submitter. Criteria: St. Jude Assertion Criteria 2020. Collection method: clinical testing. Allele origin: germline.
Comment: The RAD51C c.1109G>A (p.Arg370Gln) missense change has a maximum subpopulation frequency of 0.0027% in gnomAD v2.1.1. The in silico tool REVEL predicts a benign effect on protein function, but to our knowledge this prediction has not been confirmed by functional studies. This variant has been reported in at least six individuals with breast cancer and in two unaffected control individuals (PMID: 33471991, Leiden Open Variation Database). This variant is absent in a database of women older than 70 years of age who have never had cancer (FLOSSIES). To our knowledge, this variant has not been reported in individuals with Fanconi anemia. In summary, the evidence currently available is insufficient to determine the clinical significance of this variant. It has therefore been classified as of uncertain significance.

Sema4
Classification: Uncertain significance for Hereditary cancer-predisposing syndrome. Last evaluated: 2021-11-04. Review status: criteria provided, single submitter. Criteria: Sema4 Curation Guidelines. Collection method: curation. Allele origin: germline.
Comment: The RAD51C c.1109G>A (p.R370Q) variant has been reported in heterozygosity in at least six individuals with breast cancer and as well as at least two unaffected controls (PMID: 33471991). This variant was observed in 3/112104 chromosomes in the Non-Finnish European subpopulation in the large and broad cohorts of the Genome Aggregation Database (PMID: 32461654). This variant has been reported in ClinVar (Variation ID: 187061). Functional studies have not been performed, and in silico predictions of the variant's effect on protein function are inconclusive. The evidence is insufficient to meet ACMG/AMP criteria for classifying the variant as benign or pathogenic. Thus, the clinical significance of this variant is currently uncertain.

CHEO Genetics Diagnostic Laboratory, Children's Hospital of Eastern Ontario
Classification: Uncertain significance for Breast and/or ovarian cancer. Last evaluated: 2021-08-09. Review status: criteria provided, single submitter. Criteria: ACMG Guidelines, 2015. Collection method: clinical testing. Allele origin: germline.

Quest Diagnostics Nichols Institute San Juan Capistrano
Classification: Uncertain significance. Last evaluated: 2020-05-04. Review status: criteria provided, single submitter. Criteria: Quest Diagnostics criteria. Collection method: clinical testing. Allele origin: unknown.

Women's Health and Genetics/Laboratory Corporation of America, LabCorp
Classification: Uncertain significance. Last evaluated: 2019-09-13. Review status: criteria provided, single submitter. Criteria: LabCorp Variant Classification Summary - May 2015. Collection method: clinical testing. Allele origin: germline.
Comment: Variant summary: RAD51C c.1109G>A (p.Arg370Gln) results in a conservative amino acid change in the encoded protein sequence. Four of five in-silico tools predict a benign effect of the variant on protein function. The variant allele was found at a frequency of 1.2e-05 in 248394 control chromosomes (gnomAD). The available data on variant occurrences in the general population are insufficient to allow any conclusion about variant significance. To our knowledge, no occurrence of c.1109G>A in individuals affected with Hereditary Breast and Ovarian Cancer and no experimental evidence demonstrating its impact on protein function have been reported. Four ClinVar submitters (evaluation after 2014) cite the variant as uncertain significance. Based on the evidence outlined above, the variant was classified as uncertain significance.

Counsyl
Classification: Uncertain significance for Fanconi anemia complementation group O; Breast-ovarian cancer, familial, susceptibility to, 3. Last evaluated: 2017-08-02. Review status: no assertion criteria provided. Collection method: clinical testing. Allele origin: unknown. Not counted in ClinVar's aggregate classification.

Literature cited by the submitters: PubMed 33471991 (cited by Sema4).

NM_058216.3(RAD51C):c.1109G>A (p.Arg370Gln)

Gene: RAD51C (RAD51 paralog C; plus strand). Cytogenetic location: 17q22.
Variant type: single nucleotide variant.
Coding change: c.1109G>A on transcript NM_058216.3 (MANE Select); coding-DNA position 1109, G replaced by A.
Protein change: p.Arg370Gln; replaces arginine 370 with glutamine.
Molecular consequence: missense variant. On other transcripts: non-coding transcript variant (1).
Genome position (GRCh38, 1-based): chr17:58,734,200, G>A. VCF-style: chr17-58734200-G-A. GRCh37 (hg19) VCF-style: chr17-56811561-G-A.
Other names: short protein forms R370Q.
Identifiers: ClinVar variation 187061 (VCV000187061.36), dbSNP rs373170458, ClinGen allele CA196632.